The following is an entry in ClinVar:

ClinVar aggregate classification (germline): Likely benign (1 of 4 stars; one submission).

Allele frequency attached by ClinVar (database versions not stated): TOPMed 0.00001.

Submission:

GeneDx
Classification: Likely benign. Last evaluated: 2018-06-07. Review status: criteria provided, single submitter. Criteria: GeneDx Variant Classification (06012015). Collection method: clinical testing. Allele origin: germline. Affected: yes.
Comment: This variant is considered likely benign or benign based on one or more of the following criteria: it is a conservative change, it occurs at a poorly conserved position in the protein, it is predicted to be benign by multiple in silico algorithms, and/or has population frequency not consistent with disease.

NM_001267550.2(TTN):c.25546C>G (p.Leu8516Val)

Gene: TTN (titin; minus strand). Cytogenetic location: 2q31.2.
Variant type: single nucleotide variant.
Coding change: c.25546C>G on transcript NM_001267550.2 (MANE Select); coding-DNA position 25546, C replaced by G.
Protein change: p.Leu8516Val; replaces leucine 8516 with valine.
Molecular consequence: missense variant. On other transcripts: intron variant (3).
Genome position (GRCh38, 1-based): chr2:178,717,188, G>C on the plus strand (C>G on the coding strand, the complement: TTN is on the minus strand). VCF-style: chr2-178717188-G-C. GRCh37 (hg19) VCF-style: chr2-179581915-G-C.
Other names: c.24595C>G, p.Leu8199Val (NM_001256850.1); c.21814C>G, p.Leu7272Val (NM_133378.4); c.13282+20894C>G (NM_003319.4); c.13858+20894C>G (NM_133437.4); c.13657+20894C>G (NM_133432.3); short protein forms L7272V, L8516V, L8199V.
Identifiers: ClinVar variation 671938 (VCV000671938.1), dbSNP rs775937094, ClinGen allele CA60969950.